The following is an entry in ClinVar:

NM_001113378.2(FANCI):c.1406A>G (p.Tyr469Cys)

Gene: FANCI (FA complementation group I; plus strand). Cytogenetic location: 15q26.1.
Variant type: single nucleotide variant.
Coding change: c.1406A>G on transcript NM_001113378.2 (MANE Select); coding-DNA position 1406, A replaced by G.
Protein change: p.Tyr469Cys; replaces tyrosine 469 with cysteine.
Molecular consequence: missense variant.
Genome position (GRCh38, 1-based): chr15:89,281,194, A>G. VCF-style: chr15-89281194-A-G. GRCh37 (hg19) VCF-style: chr15-89824425-A-G.
Other names: c.1127A>G, p.Tyr376Cys (NM_001376910.1); c.1406A>G, p.Tyr469Cys (NM_001376911.1, NM_018193.3); short protein forms Y376C, Y469C.
Identifiers: ClinVar variation 1353945 (VCV001353945.8), dbSNP rs756206080, ClinGen allele CA7723017.

ClinVar aggregate classification (germline): Uncertain significance (1 of 4 stars; one submission).

Conditions:
Fanconi anemia (FA). Also called: Fanconi's anemia. Identifiers: Orphanet 84, MedGen C0015625, MeSH D005199, MONDO:0019391.

Allele frequency attached by ClinVar (database versions not stated): ExAC 0.00001; gnomAD exomes 0.00001.
gnomAD v4.1: 4 of 1,613,774 alleles (0.00025%); highest among the groups gnomAD compares: Non-Finnish European, 0.00034%; no homozygotes.

Submission:

Labcorp Genetics (formerly Invitae), Labcorp
Classification: Uncertain significance for Fanconi anemia. Last evaluated: 2023-05-05. Review status: criteria provided, single submitter. Criteria: Invitae Variant Classification Sherloc (09022015). Collection method: clinical testing. Allele origin: germline.
Comment: This sequence change replaces tyrosine, which is neutral and polar, with cysteine, which is neutral and slightly polar, at codon 469 of the FANCI protein (p.Tyr469Cys). This variant is present in population databases (rs756206080, gnomAD 0.003%). This variant has not been reported in the literature in individuals affected with FANCI-related conditions. ClinVar contains an entry for this variant (Variation ID: 1353945). Advanced modeling of protein sequence and biophysical properties (such as structural, functional, and spatial information, amino acid conservation, physicochemical variation, residue mobility, and thermodynamic stability) performed at Invitae indicates that this missense variant is not expected to disrupt FANCI protein function. In summary, the available evidence is currently insufficient to determine the role of this variant in disease. Therefore, it has been classified as a Variant of Uncertain Significance.